The following is an entry in ClinVar:

NM_000540.3(RYR1):c.6937C>A (p.Leu2313Ile)

Gene: RYR1 (ryanodine receptor 1; plus strand). Cytogenetic location: 19q13.2.
Variant type: single nucleotide variant.
Coding change: c.6937C>A on transcript NM_000540.3 (MANE Select); coding-DNA position 6937, C replaced by A.
Protein change: p.Leu2313Ile; replaces leucine 2313 with isoleucine.
Molecular consequence: missense variant.
Genome position (GRCh38, 1-based): chr19:38,499,153, C>A. VCF-style: chr19-38499153-C-A. GRCh37 (hg19) VCF-style: chr19-38989793-C-A.
Other names: c.6937C>A, p.Leu2313Ile (NM_001042723.2); short protein forms L2313I.
Identifiers: ClinVar variation 4758643 (VCV004758643.1).

ClinVar aggregate classification (germline): Uncertain significance (1 of 4 stars; one submission).

Conditions:
Malignant hyperthermia, susceptibility to, 1 (MHS1). Also called: RYR1-Related Malignant Hyperthermia Susceptibility; Malignant hyperthermia suceptibility 1; Anesthesia related hyperthermia; Malignant hyperpyrexia; Fulminating hyperpyrexia; Pharmacogenic myopathy. Identifiers: Orphanet 423, MedGen C2930980, MONDO:0007783, OMIM 145600.

gnomAD v4.1: 4 of 1,614,072 alleles (0.00025%); highest among the groups gnomAD compares: African/African-American, 0.0013%; no homozygotes.

Submission:

Color Diagnostics, LLC DBA Color Health
Classification: Uncertain significance for Malignant hyperthermia, susceptibility to, 1. Last evaluated: 2023-11-15. Review status: criteria provided, single submitter. Criteria: ACMG Guidelines, 2015. Collection method: clinical testing. Allele origin: germline.
Comment: This missense variant replaces leucine with isoleucine at codon 2313 of the RYR1 protein. Computational prediction is inconclusive regarding the impact of this variant on protein structure and function. To our knowledge, functional studies have not been reported for this variant. This variant has not been reported in individuals affected with RYR1-related disorders in the literature. This variant has not been identified in the general population by the Genome Aggregation Database (gnomAD). The available evidence is insufficient to determine the role of this variant in disease conclusively. Therefore, this variant is classified as a Variant of Uncertain Significance.